The following is an entry in ClinVar:

ClinVar aggregate classification (germline): Uncertain significance (1 of 4 stars; one submission).

Submission:

Labcorp Genetics (formerly Invitae), Labcorp
Classification: Uncertain significance. Last evaluated: 2021-11-26. Review status: criteria provided, single submitter. Criteria: Invitae Variant Classification Sherloc (09022015). Collection method: clinical testing. Allele origin: germline.
Comment: In summary, the available evidence is currently insufficient to determine the role of this variant in disease. Therefore, it has been classified as a Variant of Uncertain Significance. This variant has not been reported in the literature in individuals affected with A2ML1-related conditions. This variant is a gross deletion of the genomic region encompassing exon(s) 1-3 of the A2ML1 gene, which includes the initiator codon. This deletion extends beyond the assayed region for this gene and therefore may encompass additional genes. It is expected to result in an absent or disrupted protein product. However, the current clinical and genetic evidence is not sufficient to establish whether loss-of-function variants in A2ML1 cause disease.

NC_000012.11:g.(?_8975248)_(8976498_?)del

Gene: A2ML1 (alpha-2-macroglobulin like 1; plus strand). Cytogenetic location: 12p13.31.
Variant type: Deletion.
Identifiers: ClinVar variation 2427302 (VCV002427302.4).